The following is an entry in ClinVar:

ClinVar aggregate classification (germline): Likely benign. Review status: criteria provided, multiple submitters, no conflicts (2 of 4 stars). 2 submissions from 2 submitters: Likely benign (2). Last evaluated 2026-01-17.

Conditions:
RASopathy. Also called: Noonan spectrum disorder; rasopathies. Identifiers: Orphanet 536391, MedGen C5555857, MONDO:0021060.

Allele frequency attached by ClinVar (database versions not stated): gnomAD exomes below 0.00001 and 0.00001; ExAC 0.00001; gnomAD 0.00004; TOPMed 0.00006; ESP Exome Variant Server 0.00015.
gnomAD v4.1: 10 of 1,613,858 alleles (0.00062%); highest among the groups gnomAD compares: African/African-American, 0.012%; no homozygotes.

Submissions (2):

Labcorp Genetics (formerly Invitae), Labcorp
Classification: Likely benign for RASopathy. Last evaluated: 2026-01-17. Review status: criteria provided, single submitter. Criteria: Invitae Variant Classification Sherloc (09022015). Collection method: clinical testing. Allele origin: germline.

GeneDx
Classification: Likely benign. Last evaluated: 2017-01-19. Review status: criteria provided, single submitter. Criteria: GeneDx Variant Classification (06012015). Collection method: clinical testing. Allele origin: germline. Affected: yes.
Comment: This variant is considered likely benign or benign based on one or more of the following criteria: it is a conservative change, it occurs at a poorly conserved position in the protein, it is predicted to be benign by multiple in silico algorithms, and/or has population frequency not consistent with disease.

NM_002880.4(RAF1):c.990+15C>T

Gene: RAF1 (Raf-1 proto-oncogene, serine/threonine kinase; minus strand). Cytogenetic location: 3p25.2.
Variant type: single nucleotide variant.
Coding change: c.990+15C>T on transcript NM_002880.4 (MANE Select); 15 bases into the intron after coding-DNA position 990, C replaced by T.
Molecular consequence: intron variant.
Genome position (GRCh38, 1-based): chr3:12,600,137, G>A on the plus strand (C>T on the coding strand, the complement: RAF1 is on the minus strand). VCF-style: chr3-12600137-G-A. GRCh37 (hg19) VCF-style: chr3-12641636-G-A.
Other names: c.648+15C>T (NM_001354695.3); c.747+15C>T (NM_001354692.3, NM_001354691.3); c.807+15C>T (NM_001354694.3); c.891+15C>T (NM_001354693.3); c.1050+15C>T (NM_001354689.3); c.990+15C>T (NM_001354690.3).
Identifiers: ClinVar variation 506796 (VCV000506796.8), dbSNP rs373980711, ClinGen allele CA2259615.